The following is an entry in ClinVar:

NM_001099922.3(ALG13):c.3113G>T (p.Arg1038Ile)

Gene: ALG13 (ALG13 UDP-N-acetylglucosaminyltransferase subunit; plus strand). Cytogenetic location: Xq23.
Variant type: single nucleotide variant.
Coding change: c.3113G>T on transcript NM_001099922.3 (MANE Select); coding-DNA position 3113, G replaced by T.
Protein change: p.Arg1038Ile; replaces arginine 1038 with isoleucine.
Molecular consequence: missense variant. On other transcripts: non-coding transcript variant (1).
Genome position (GRCh38, 1-based): chrX:111,757,727, G>T. VCF-style: chrX-111757727-G-T. GRCh37 (hg19) VCF-style: chrX-111000955-G-T.
Other names: c.2564G>T, p.Arg855Ile (NM_001257230.2, NM_001257234.2, NM_001257237.2); c.2879G>T, p.Arg960Ile (NM_001257231.2); c.2876G>T, p.Arg959Ile (NM_001324292.2); c.2390G>T, p.Arg797Ile (NM_001324293.1); short protein forms R1038I, R797I, R855I, R959I, R960I.
Identifiers: ClinVar variation 3362043 (VCV003362043.1).

ClinVar aggregate classification (germline): Uncertain significance (1 of 4 stars; one submission).

Submission:

GeneDx
Classification: Uncertain significance. Last evaluated: 2023-05-26. Review status: criteria provided, single submitter. Criteria: GeneDx Variant Classification Process June 2021. Collection method: clinical testing. Allele origin: germline. Affected: yes.
Comment: Not observed at significant frequency in large population cohorts (gnomAD); In silico analysis supports that this missense variant has a deleterious effect on protein structure/function; Has not been previously published as pathogenic or benign to our knowledge